The following is an entry in ClinVar:

NM_032638.5(GATA2):c.1250T>C (p.Leu417Pro)

Gene: GATA2 (GATA binding protein 2; minus strand). Cytogenetic location: 3q21.3.
Variant type: single nucleotide variant.
Coding change: c.1250T>C on transcript NM_032638.5 (MANE Select); coding-DNA position 1250, T replaced by C.
Protein change: p.Leu417Pro; replaces leucine 417 with proline.
Molecular consequence: missense variant.
Genome position (GRCh38, 1-based): chr3:128,481,212, A>G on the plus strand (T>C on the coding strand, the complement: GATA2 is on the minus strand). VCF-style: chr3-128481212-A-G. GRCh37 (hg19) VCF-style: chr3-128200055-A-G.
Other names: c.1250T>C, p.Leu417Pro (NM_001145661.2); c.1208T>C, p.Leu403Pro (NM_001145662.1); short protein forms L403P, L417P.
Identifiers: ClinVar variation 1392427 (VCV001392427.8), dbSNP rs2107667961, ClinGen allele CA354412981.

ClinVar aggregate classification (germline): Uncertain significance (1 of 4 stars; one submission).

Conditions:
Monocytopenia with susceptibility to infections. Also called: IMMUNODEFICIENCY 21; GATA2 DEFICIENCY; Dendritic cell, monocyte, B lymphocyte, and natural killer lymphocyte deficiency; MONOCYTOPENIA AND MYCOBACTERIAL INFECTION SYNDROME; MONOCYTOPENIA WITH SUSCEPTIBILITY TO MYCOBACTERIAL, FUNGAL, AND PAPILLOMAVIRUS INFECTIONS AND MYELODYSPLASIA; COMBINED IMMUNODEFICIENCY WITH SUSCEPTIBILITY TO MYCOBACTERIAL, VIRAL, AND FUNGAL INFECTIONS. Identifiers: Orphanet 228423, MedGen C3280030, MONDO:0013607, OMIM 614172.
Deafness-lymphedema-leukemia syndrome. Also called: Emberger syndrome; Lymphedema, primary, with myelodysplasia. Identifiers: Orphanet 3226, MedGen C3279664, MONDO:0013540, OMIM 614038.

Submission:

Labcorp Genetics (formerly Invitae), Labcorp
Classification: Uncertain significance for Monocytopenia with susceptibility to infections; Deafness-lymphedema-leukemia syndrome. Last evaluated: 2022-07-11. Review status: criteria provided, single submitter. Criteria: Invitae Variant Classification Sherloc (09022015). Collection method: clinical testing. Allele origin: germline.
Comment: In summary, the available evidence is currently insufficient to determine the role of this variant in disease. Therefore, it has been classified as a Variant of Uncertain Significance. Algorithms developed to predict the effect of missense changes on protein structure and function are either unavailable or do not agree on the potential impact of this missense change (SIFT: "Deleterious"; PolyPhen-2: "Probably Damaging"; Align-GVGD: "Class C0"). ClinVar contains an entry for this variant (Variation ID: 1392427). This variant has not been reported in the literature in individuals affected with GATA2-related conditions. This variant is not present in population databases (gnomAD no frequency). This sequence change replaces leucine, which is neutral and non-polar, with proline, which is neutral and non-polar, at codon 417 of the GATA2 protein (p.Leu417Pro).